The following is an entry in ClinVar:

NM_015164.4(PLEKHM2):c.2124A>C (p.Glu708Asp)

Gene: PLEKHM2 (pleckstrin homology and RUN domain containing M2; plus strand). Cytogenetic location: 1p36.21.
Variant type: single nucleotide variant.
Coding change: c.2124A>C on transcript NM_015164.4 (MANE Select); coding-DNA position 2124, A replaced by C.
Protein change: p.Glu708Asp; replaces glutamic acid 708 with aspartic acid.
Molecular consequence: missense variant.
Genome position (GRCh38, 1-based): chr1:15,729,845, A>C. VCF-style: chr1-15729845-A-C. GRCh37 (hg19) VCF-style: chr1-16056340-A-C.
Other names: c.2064A>C, p.Glu688Asp (NM_001410755.1); short protein forms E688D, E708D.
Identifiers: ClinVar variation 4812518 (VCV004812518.1).

ClinVar aggregate classification (germline): Uncertain significance (1 of 4 stars; one submission).

Submission:

Labcorp Genetics (formerly Invitae), Labcorp
Classification: Uncertain significance. Last evaluated: 2025-08-12. Review status: criteria provided, single submitter. Criteria: Invitae Variant Classification Sherloc (09022015). Collection method: clinical testing. Allele origin: germline.
Comment: This sequence change replaces glutamic acid, which is acidic and polar, with aspartic acid, which is acidic and polar, at codon 708 of the PLEKHM2 protein (p.Glu708Asp). This variant is not present in population databases (gnomAD no frequency). This variant has not been reported in the literature in individuals affected with PLEKHM2-related conditions. An algorithm developed to predict the effect of missense changes on protein structure and function (PolyPhen-2) suggests that this variant is likely to be disruptive. In summary, the available evidence is currently insufficient to determine the role of this variant in disease. Therefore, it has been classified as a Variant of Uncertain Significance.